The following is an entry in ClinVar:

ClinVar aggregate classification (germline): Conflicting classifications of pathogenicity. Review status: criteria provided, conflicting classifications (1 of 4 stars). 2 submissions from 2 submitters: Uncertain significance (1); Likely benign (1). Last evaluated 2025-05-12.

Allele frequency attached by ClinVar (database versions not stated): gnomAD exomes 0.00006; 1000 Genomes Project 30x 0.00016; gnomAD 0.00005; ExAC 0.00013; 1000 Genomes Project 0.00020.
gnomAD v4.1: 95 of 1,613,940 alleles (0.0059%); highest among the groups gnomAD compares: East Asian, 0.21%; no homozygotes.

Submissions (2):

Labcorp Genetics (formerly Invitae), Labcorp
Classification: Likely benign. Last evaluated: 2025-05-12. Review status: criteria provided, single submitter. Criteria: Invitae Variant Classification Sherloc (09022015). Collection method: clinical testing. Allele origin: germline.

Women's Health and Genetics/Laboratory Corporation of America, LabCorp
Classification: Uncertain significance. Last evaluated: 2024-08-22. Review status: criteria provided, single submitter. Criteria: LabCorp Variant Classification Summary - May 2015. Collection method: clinical testing. Allele origin: germline.
Comment: Variant summary: COQ8A c.322G>C (p.Gly108Arg) results in a non-conservative amino acid change in the encoded protein sequence. Four of five in-silico tools predict a benign effect of the variant on protein function. The variant allele was found at a frequency of 0.00015 in 250982 control chromosomes, predominantly at a frequency of 0.002 within the East Asian subpopulation in the gnomAD database. This frequency is not significantly higher than estimated for a pathogenic variant in COQ8A causing Autosomal Recessive Ataxia Due To Ubiquinone Deficiency, allowing no conclusion about variant significance. To our knowledge, no occurrence of c.322G>C in individuals affected with Autosomal Recessive Ataxia Due To Ubiquinone Deficiency and no experimental evidence demonstrating its impact on protein function have been reported. ClinVar contains an entry for this variant (Variation ID: 2916997). Based on the evidence outlined above, the variant was classified as uncertain significance.

NM_020247.5(COQ8A):c.322G>C (p.Gly108Arg)

Gene: COQ8A (coenzyme Q8A; plus strand). Cytogenetic location: 1q42.13.
Variant type: single nucleotide variant.
Coding change: c.322G>C on transcript NM_020247.5 (MANE Select); coding-DNA position 322, G replaced by C.
Protein change: p.Gly108Arg; replaces glycine 108 with arginine.
Molecular consequence: missense variant.
Genome position (GRCh38, 1-based): chr1:226,965,144, G>C. VCF-style: chr1-226965144-G-C. GRCh37 (hg19) VCF-style: chr1-227152845-G-C.
Other names: short protein forms G108R.
Identifiers: ClinVar variation 2916997 (VCV002916997.4), dbSNP rs576613785, ClinGen allele CA1424986.